The following is an entry in ClinVar:

ClinVar aggregate classification (germline): Likely benign. Review status: criteria provided, multiple submitters, no conflicts (2 of 4 stars). 3 submissions from 3 submitters: Likely benign (3). Last evaluated 2026-01-25.

Conditions:
AAAS-related disorder. Also called: AAAS-related condition.

Allele frequency attached by ClinVar (database versions not stated): ExAC 0.00007; TOPMed 0.00007; gnomAD exomes 0.00008 and 0.00025; gnomAD 0.00010 and 0.00011.
gnomAD v4.1: 364 of 1,614,110 alleles (0.023%); highest among the groups gnomAD compares: Non-Finnish European, 0.03%; no homozygotes.

Submissions (3):

Labcorp Genetics (formerly Invitae), Labcorp
Classification: Likely benign. Last evaluated: 2026-01-25. Review status: criteria provided, single submitter. Criteria: Invitae Variant Classification Sherloc (09022015). Collection method: clinical testing. Allele origin: germline.

PreventionGenetics, part of Exact Sciences
Classification: Likely benign for AAAS-related condition. Last evaluated: 2025-06-26. Review status: criteria provided, single submitter. Criteria: ACMG Guidelines, 2015. Collection method: clinical testing. Allele origin: germline.
Comment: This variant is classified as likely benign based on ACMG/AMP sequence variant interpretation guidelines (Richards et al. 2015 PMID: 25741868, with internal and published modifications).

Breakthrough Genomics
Classification: Likely benign. Review status: criteria provided, single submitter. Criteria: ACMG Guidelines, 2015. Collection method: not provided. Allele origin: germline. Inheritance: Autosomal recessive inheritance. Affected: yes.

NM_015665.6(AAAS):c.1311T>C (p.Pro437=)

Gene: AAAS (aladin WD repeat nucleoporin; minus strand). Cytogenetic location: 12q13.13.
Variant type: single nucleotide variant.
Coding change: c.1311T>C on transcript NM_015665.6 (MANE Select); coding-DNA position 1311, T replaced by C.
Protein change: p.Pro437=; no amino-acid change (proline 437 retained).
Molecular consequence: synonymous variant.
Genome position (GRCh38, 1-based): chr12:53,308,072, A>G on the plus strand (T>C on the coding strand, the complement: AAAS is on the minus strand). VCF-style: chr12-53308072-A-G. GRCh37 (hg19) VCF-style: chr12-53701856-A-G.
Other names: c.1212T>C, p.Pro404= (NM_001173466.2).
Identifiers: ClinVar variation 710451 (VCV000710451.9), dbSNP rs753894698, ClinGen allele CA6598886.